The following is an entry in ClinVar:

NM_001330078.2(NRXN1):c.3311G>A (p.Gly1104Asp)

Gene: NRXN1 (neurexin 1; minus strand). Cytogenetic location: 2p16.3.
Variant type: single nucleotide variant.
Coding change: c.3311G>A on transcript NM_001330078.2 (MANE Select); coding-DNA position 3311, G replaced by A.
Protein change: p.Gly1104Asp; replaces glycine 1104 with aspartic acid.
Molecular consequence: missense variant.
Genome position (GRCh38, 1-based): chr2:50,465,495, C>T on the plus strand (G>A on the coding strand, the complement: NRXN1 is on the minus strand). VCF-style: chr2-50465495-C-T. GRCh37 (hg19) VCF-style: chr2-50692633-C-T.
Other names: c.3431G>A, p.Gly1144Asp (NM_001135659.3); c.3287G>A, p.Gly1096Asp (NM_001330077.2, NM_001330082.2); c.3245G>A, p.Gly1082Asp (NM_001330083.2, NM_001330084.2); c.3284G>A, p.Gly1095Asp (NM_001330085.2); c.3311G>A, p.Gly1104Asp (NM_001330086.2, NM_004801.6); c.3200G>A, p.Gly1067Asp (NM_001330087.2, NM_001330096.2); c.3230G>A, p.Gly1077Asp (NM_001330088.2); c.3308G>A, p.Gly1103Asp (NM_001330093.2); and 2 more; short protein forms G1082D, G1103D, G1067D, G1077D, G1144D, G1087D, G1096D, G1100D.
Identifiers: ClinVar variation 945041 (VCV000945041.9), dbSNP rs376483387, ClinGen allele CA1654597.

ClinVar aggregate classification (germline): Uncertain significance (1 of 4 stars; one submission).

Conditions:
Pitt-Hopkins-like syndrome 2 (PTHSL2). Identifiers: Orphanet 221150, Orphanet 600663, MedGen C3280479, MONDO:0013690, OMIM 614325.

Allele frequency attached by ClinVar (database versions not stated): TOPMed below 0.00001; gnomAD 0.00001; gnomAD exomes 0.00001 and 0.00002; ExAC 0.00005; ESP Exome Variant Server 0.00008.
gnomAD v4.1: 8 of 1,610,770 alleles (0.0005%); highest among the groups gnomAD compares: Non-Finnish European, 0.00017%; no homozygotes.

Submission:

Labcorp Genetics (formerly Invitae), Labcorp
Classification: Uncertain significance for Pitt-Hopkins-like syndrome 2. Last evaluated: 2019-06-22. Review status: criteria provided, single submitter. Criteria: Invitae Variant Classification Sherloc (09022015). Collection method: clinical testing. Allele origin: germline.
Comment: In summary, the available evidence is currently insufficient to determine the role of this variant in disease. Therefore, it has been classified as a Variant of Uncertain Significance. Algorithms developed to predict the effect of missense changes on protein structure and function are either unavailable or do not agree on the potential impact of this missense change (SIFT: "Deleterious"; PolyPhen-2: "Probably Damaging"; Align-GVGD: "Class C0"). This variant has not been reported in the literature in individuals with NRXN1-related conditions. This variant is present in population databases (rs376483387, ExAC 0.02%). This sequence change replaces glycine with aspartic acid at codon 1144 of the NRXN1 protein (p.Gly1144Asp). The glycine residue is highly conserved and there is a moderate physicochemical difference between glycine and aspartic acid.